The following is an entry in ClinVar:

ClinVar aggregate classification (germline): Benign/Likely benign. Review status: criteria provided, multiple submitters, no conflicts (2 of 4 stars). 3 submissions from 3 submitters: Benign (1); Likely benign (1). 1 of the submissions does not count toward it. Last evaluated 2024-06-13.

Conditions:
SMARCA2-related disorder. Also called: SMARCA2-related condition.

Allele frequency attached by ClinVar (database versions not stated): gnomAD 0.00017 and 0.00019; ESP Exome Variant Server 0.00031; 1000 Genomes Project 0.00040; 1000 Genomes Project 30x 0.00047.
gnomAD v4.1: 49 of 1,614,050 alleles (0.003%); highest among the groups gnomAD compares: African/African-American, 0.052%; no homozygotes.

Submissions (3):

Labcorp Genetics (formerly Invitae), Labcorp
Classification: Likely benign. Last evaluated: 2024-06-13. Review status: criteria provided, single submitter. Criteria: Invitae Variant Classification Sherloc (09022015). Collection method: clinical testing. Allele origin: germline.

GeneDx
Classification: Benign. Last evaluated: 2021-08-11. Review status: criteria provided, single submitter. Criteria: GeneDx Variant Classification Process June 2021. Collection method: clinical testing. Allele origin: germline. Affected: yes.

PreventionGenetics, part of Exact Sciences
Classification: Likely benign for SMARCA2-related condition. Last evaluated: 2023-11-09. Review status: no assertion criteria provided. Collection method: clinical testing. Allele origin: germline. Not counted in ClinVar's aggregate classification.
Comment: This variant is classified as likely benign based on ACMG/AMP sequence variant interpretation guidelines (Richards et al. 2015 PMID: 25741868, with internal and published modifications).

NM_003070.5(SMARCA2):c.3510G>T (p.Arg1170=)

Gene: SMARCA2 (SWI/SNF related BAF chromatin remodeling complex subunit ATPase 2; plus strand). Cytogenetic location: 9p24.3.
Variant type: single nucleotide variant.
Coding change: c.3510G>T on transcript NM_003070.5 (MANE Select); coding-DNA position 3510, G replaced by T.
Protein change: p.Arg1170=; no amino-acid change (arginine 1170 retained).
Molecular consequence: synonymous variant.
Genome position (GRCh38, 1-based): chr9:2,115,875, G>T. VCF-style: chr9-2115875-G-T. GRCh37 (hg19) VCF-style: chr9-2115875-G-T.
Other names: c.3510G>T, p.Arg1170= (NM_001289396.2, NM_139045.4); c.3336G>T, p.Arg1112= (NM_001289397.2).
Identifiers: ClinVar variation 1304563 (VCV001304563.8), dbSNP rs148467601, ClinGen allele CA4963785.